The following is an entry in ClinVar:

ClinVar aggregate classification (germline): Benign/Likely benign. Review status: criteria provided, multiple submitters, no conflicts (2 of 4 stars). 10 submissions from 10 submitters: Benign (1); Likely benign (9). Last evaluated 2025-09-30.

Conditions:
Hereditary nonpolyposis colorectal neoplasms. Identifiers: MedGen C0009405, MeSH D003123.
Lynch syndrome. Identifiers: Orphanet 144, MedGen C4552100, MONDO:0005835. Disease mechanism: loss of function.
Lynch syndrome 5 (LYNCH5). Also called: Colorectal cancer, hereditary nonpolyposis, type 5; Hereditary non-polyposis colorectal cancer, type 5. Identifiers: Orphanet 144, MedGen C1833477, MONDO:0013710, OMIM 614350. Disease mechanism: loss of function.
Hereditary cancer-predisposing syndrome. Also called: Neoplastic Syndromes, Hereditary; Hereditary Cancer Syndrome; Tumor predisposition; Hereditary neoplastic syndrome. Identifiers: Orphanet 140162, MedGen C0027672, MeSH D009386, MONDO:0015356.

gnomAD v4.1: 1 of 1,614,162 alleles (0.000062%); no homozygotes.

Submissions (10):

Labcorp Genetics (formerly Invitae), Labcorp
Classification: Likely benign for Hereditary nonpolyposis colorectal neoplasms. Last evaluated: 2025-09-30. Review status: criteria provided, single submitter. Criteria: Invitae Variant Classification Sherloc (09022015). Collection method: clinical testing. Allele origin: germline.

Myriad Genetics, Inc.
Classification: Benign for Lynch syndrome 5. Last evaluated: 2024-12-18. Review status: criteria provided, single submitter. Criteria: Myriad Autosomal Dominant, Autosomal Recessive and X-Linked Classification Criteria (2023). Collection method: clinical testing. Allele origin: unknown.
Comment: This variant is considered benign. This variant is a silent/synonymous amino acid change and it is not expected to impact splicing.

Blueprint Genetics
Classification: Likely benign. Last evaluated: 2024-05-29. Review status: criteria provided, single submitter. Criteria: ACMG Guidelines, 2015. Collection method: clinical testing. Allele origin: germline.

All of Us Research Program, National Institutes of Health
Classification: Likely benign for Lynch syndrome. Last evaluated: 2024-04-25. Review status: criteria provided, single submitter. Criteria: ACMG Guidelines, 2015. Collection method: clinical testing. Allele origin: germline. Inheritance: Autosomal dominant inheritance. Observed: 1 variant allele, 1 heterozygote.
Comment: This study involves interpretation of variants in research participants for the purpose of population health screening. Participant phenotype was not available at the time of variant classification. Additional details can be found in publication PMID: 35346344, PMCID: PMC8962531

Department of Pathology and Laboratory Medicine, Sinai Health System
Classification: Likely benign for Lynch syndrome. Last evaluated: 2023-06-21. Review status: criteria provided, single submitter. Criteria: ACMG Guidelines, 2015. Collection method: clinical testing. Allele origin: germline. Affected: yes.

Sema4
Classification: Likely benign for Hereditary cancer-predisposing syndrome. Last evaluated: 2022-01-18. Review status: criteria provided, single submitter. Criteria: Sema4 Curation Guidelines. Collection method: curation. Allele origin: germline.

Color Diagnostics, LLC DBA Color Health
Classification: Likely benign for Hereditary cancer-predisposing syndrome. Last evaluated: 2020-03-26. Review status: criteria provided, single submitter. Criteria: ACMG Guidelines, 2015. Collection method: clinical testing. Allele origin: germline.

Women's Health and Genetics/Laboratory Corporation of America, LabCorp
Classification: Likely benign. Last evaluated: 2019-10-10. Review status: criteria provided, single submitter. Criteria: LabCorp Variant Classification Summary - May 2015. Collection method: clinical testing. Allele origin: germline.

Ambry Genetics
Classification: Likely benign for Hereditary cancer-predisposing syndrome. Last evaluated: 2019-05-04. Review status: criteria provided, single submitter. Criteria: Ambry Variant Classification Scheme 2023. Collection method: clinical testing. Allele origin: germline.

GeneDx
Classification: Likely benign. Last evaluated: 2018-02-22. Review status: criteria provided, single submitter. Criteria: GeneDx Variant Classification (06012015). Collection method: clinical testing. Allele origin: germline. Affected: yes.
Comment: This variant is considered likely benign or benign based on one or more of the following criteria: it is a conservative change, it occurs at a poorly conserved position in the protein, it is predicted to be benign by multiple in silico algorithms, and/or has population frequency not consistent with disease.

NM_000179.3(MSH6):c.474A>G (p.Glu158=)

Gene: MSH6 (mutS homolog 6; plus strand). Cytogenetic location: 2p16.3.
Variant type: single nucleotide variant.
Coding change: c.474A>G on transcript NM_000179.3 (MANE Select); coding-DNA position 474, A replaced by G.
Protein change: p.Glu158=; no amino-acid change (glutamic acid 158 retained).
Molecular consequence: synonymous variant. On other transcripts: 5 prime UTR variant (1), intron variant (2).
Genome position (GRCh38, 1-based): chr2:47,795,910, A>G. VCF-style: chr2-47795910-A-G. GRCh37 (hg19) VCF-style: chr2-48023049-A-G.
Other names: c.-429A>G (NM_001281494.2); c.-279-2701A>G (NM_001281493.2); c.238-2701A>G (NM_001281492.2).
Identifiers: ClinVar variation 237209 (VCV000237209.23), dbSNP rs878853747, ClinGen allele CA10582039.